The following is an entry in ClinVar:

NM_174936.4(PCSK9):c.261C>A (p.His87Gln)

Gene: PCSK9 (proprotein convertase subtilisin/kexin type 9; plus strand). Cytogenetic location: 1p32.3.
Variant type: single nucleotide variant.
Coding change: c.261C>A on transcript NM_174936.4 (MANE Select); coding-DNA position 261, C replaced by A.
Protein change: p.His87Gln; replaces histidine 87 with glutamine.
Molecular consequence: missense variant.
Genome position (GRCh38, 1-based): chr1:55,043,896, C>A. VCF-style: chr1-55043896-C-A. GRCh37 (hg19) VCF-style: chr1-55509569-C-A.
Other names: short protein forms H87Q.
Identifiers: ClinVar variation 924535 (VCV000924535.4), dbSNP rs1474074355, ClinGen allele CA340483620.

ClinVar aggregate classification (germline): Uncertain significance (1 of 4 stars; one submission).

Conditions:
Familial hypercholesterolemia. Also called: Familial hypercholesterolaemia. Identifiers: MedGen C0020445, MONDO:0005439.

gnomAD v4.1: 6 of 1,614,194 alleles (0.00037%); highest among the groups gnomAD compares: Non-Finnish European, 0.00042%; no homozygotes.

Submission:

Color Diagnostics, LLC DBA Color Health
Classification: Uncertain significance for Familial hypercholesterolemia. Last evaluated: 2024-03-06. Review status: criteria provided, single submitter. Criteria: ACMG Guidelines, 2015. Collection method: clinical testing. Allele origin: germline.
Comment: This missense variant replaces histidine with glutamine at codon 87 of the PCSK9 protein. Computational prediction tool suggests that this variant may not impact protein structure and function (internally defined REVEL score threshold <=0.5, PMID: 27666373). Splice site prediction tools suggest that this variant may not impact RNA splicing. To our knowledge, functional studies have not been performed for this variant. This variant has not been reported in individuals affected with familial hypercholesterolemia in the literature. This variant has not been identified in the general population by the Genome Aggregation Database (gnomAD). The available evidence is insufficient to determine the role of this variant in disease conclusively. Therefore, this variant is classified as a Variant of Uncertain Significance.